The following is an entry in ClinVar:

ClinVar aggregate classification (germline): Likely pathogenic (1 of 4 stars; one submission).

Conditions:
Inborn genetic diseases. Identifiers: MedGen C0950123, MeSH D030342.

Submission:

Ambry Genetics
Classification: Likely pathogenic for Inborn genetic diseases. Last evaluated: 2023-08-03. Review status: criteria provided, single submitter. Criteria: Ambry Variant Classification Scheme 2023. Collection method: clinical testing. Allele origin: germline.
Comment: The c.3447C>T (p.G1149G) alteration is located in exon 24 (coding exon 24) of the EHMT1 gene. This alteration consists of a C to T substitution at nucleotide position 3447. This nucleotide substitution does not change the amino acid at codon 1149. This variant was not reported in population-based cohorts in the Genome Aggregation Database (gnomAD). This nucleotide position is not well conserved in available vertebrate species. In silico splice site analysis predicts that this alteration will result in the creation or strengthening of a novel splice donor site. Based on the available evidence, this alteration is classified as likely pathogenic.

NM_024757.5(EHMT1):c.3447C>T (p.Gly1149=)

Gene: EHMT1 (euchromatic histone lysine methyltransferase 1; plus strand). Cytogenetic location: 9q34.3.
Variant type: single nucleotide variant.
Coding change: c.3447C>T on transcript NM_024757.5 (MANE Select); coding-DNA position 3447, C replaced by T.
Protein change: p.Gly1149=; no amino-acid change (glycine 1149 retained).
Molecular consequence: synonymous variant.
Genome position (GRCh38, 1-based): chr9:137,817,511, C>T. VCF-style: chr9-137817511-C-T. GRCh37 (hg19) VCF-style: chr9-140711963-C-T.
Other names: c.3426C>T, p.Gly1142= (NM_001354263.2).
Identifiers: ClinVar variation 2597088 (VCV002597088.2), dbSNP rs2538749942, ClinGen allele CA467877597.